The following is an entry in ClinVar:

ClinVar aggregate classification (germline): Benign (1 of 4 stars; one submission).

Submission:

Unidad de Genómica Garrahan, Hospital de Pediatría Garrahan
Classification: Benign. Last evaluated: 2024-01-24. Review status: criteria provided, single submitter. Criteria: ACMG Guidelines, 2015. Collection method: clinical testing. Allele origin: germline. Affected: no. Observed: 24 variant alleles.
Comment: This variant is classified as Benign based on local population frequency. This variant was detected in 25% of patients studied by a panel of primary immunodeficiencies. Number of patients: 24. Only high quality variants are reported.

NM_138713.4(NFAT5):c.1505-16_1505-15insGG

Gene: NFAT5 (nuclear factor of activated T cells 5; plus strand). Cytogenetic location: 16q22.1.
Variant type: Insertion.
Coding change: c.1505-16_1505-15insGG on transcript NM_138713.4 (MANE Select); 16 bases into the intron before coding-DNA position 1505 through 15 bases into the intron before coding-DNA position 1505, GG inserted.
Molecular consequence: intron variant.
Genome position: GRCh38 VCF-style: chr16-69670220-T-TGG. GRCh37 (hg19) VCF-style: chr16-69704123-T-TGG.
Other names: c.1223-16_1223-15insGG (NM_138714.4, NM_173214.3, NM_173215.3); c.1505-16_1505-15insGG (NM_001113178.3); c.1451-16_1451-15insGG (NM_006599.4); c.833-16_833-15insGG (NM_001367709.1).
Identifiers: ClinVar variation 2688294 (VCV002688294.2), dbSNP rs1555530931, ClinGen allele CA2697555922.
Genomic context (GRCh38, chr16:69,670,220, plus strand): 5'-TATATGGATATAGTCATAGCTACAGAGTAAAAAAAATAGTTCAAAAATTTAATAAATCAC[T>TGG]TTTTATTTCAATCAGATGAAAACTCTTGGAAGTCAGAAGCTGAAATTGATATGGAACTAT-3'